The following is an entry in ClinVar:

ClinVar aggregate classification (germline): Pathogenic (1 of 4 stars; one submission).

Conditions:
Congenital myasthenic syndrome 12 (CMS12). Also called: Myasthenia, congenital, 12, with tubular aggregates; MYASTHENIC SYNDROME, CONGENITAL, WITH TUBULAR AGGREGATES 1. Identifiers: Orphanet 353327, Orphanet 590, MedGen C3552335, MONDO:0012518, OMIM 610542.

Submission:

Labcorp Genetics (formerly Invitae), Labcorp
Classification: Pathogenic for Congenital myasthenic syndrome 12. Last evaluated: 2022-07-22. Review status: criteria provided, single submitter. Criteria: Invitae Variant Classification Sherloc (09022015). Collection method: clinical testing. Allele origin: germline.
Comment: For these reasons, this variant has been classified as Pathogenic. This variant has not been reported in the literature in individuals affected with GFPT1-related conditions. This variant is not present in population databases (gnomAD no frequency). This sequence change creates a premature translational stop signal (p.Tyr617*) in the GFPT1 gene. It is expected to result in an absent or disrupted protein product. Loss-of-function variants in GFPT1 are known to be pathogenic (PMID: 23794683).

Literature cited by the submitters: PubMed 23794683.

NM_001244710.2(GFPT1):c.1851T>G (p.Tyr617Ter)

Gene: GFPT1 (glutamine--fructose-6-phosphate transaminase 1; minus strand). Cytogenetic location: 2p13.3.
Variant type: single nucleotide variant.
Coding change: c.1851T>G on transcript NM_001244710.2 (MANE Select); coding-DNA position 1851, T replaced by G.
Protein change: p.Tyr617Ter; replaces tyrosine 617 with a stop codon.
Molecular consequence: nonsense.
Genome position (GRCh38, 1-based): chr2:69,328,313, A>C on the plus strand (T>G on the coding strand, the complement: GFPT1 is on the minus strand). VCF-style: chr2-69328313-A-C. GRCh37 (hg19) VCF-style: chr2-69555445-A-C.
Other names: c.1797T>G, p.Tyr599Ter (NM_002056.4); short protein forms Y599*, Y617*.
Identifiers: ClinVar variation 1949433 (VCV001949433.5), dbSNP rs377155851, ClinGen allele CA347422164.